The following is an entry in ClinVar:

NM_182916.3(TRNT1):c.803-75T>C

Gene: TRNT1 (tRNA nucleotidyl transferase 1; plus strand). Cytogenetic location: 3p26.2.
Variant type: single nucleotide variant.
Coding change: c.803-75T>C on transcript NM_182916.3 (MANE Select); 75 bases into the intron before coding-DNA position 803, T replaced by C.
Molecular consequence: intron variant.
Genome position (GRCh38, 1-based): chr3:3,147,375, T>C. VCF-style: chr3-3147375-T-C. GRCh37 (hg19) VCF-style: chr3-3189059-T-C.
Other names: c.803-75T>C (NM_001367321.1, NM_001367323.1, NM_001367322.1); c.743-75T>C (NM_001302946.2).
Identifiers: ClinVar variation 1292273 (VCV001292273.5), dbSNP rs1621648, ClinGen allele CA68734798.

ClinVar aggregate classification (germline): Benign. Review status: criteria provided, multiple submitters, no conflicts (2 of 4 stars). 3 submissions from 3 submitters: Benign (3). Last evaluated 2024-01-24.

Allele frequency attached by ClinVar (database versions not stated): 1000 Genomes Project 30x 0.89928; TOPMed 0.90337; 1000 Genomes Project 0.90415; gnomAD 0.91009 and 0.91605; gnomAD exomes 0.99146.
gnomAD v4.1: 1,505,673 of 1,530,742 alleles (98%); highest among the groups gnomAD compares: East Asian, 100%; 743,550 homozygotes.

Submissions (3):

Unidad de Genómica Garrahan, Hospital de Pediatría Garrahan
Classification: Benign. Last evaluated: 2024-01-24. Review status: criteria provided, single submitter. Criteria: ACMG Guidelines, 2015. Collection method: clinical testing. Allele origin: germline. Affected: no. Observed: 87 variant alleles.
Comment: This variant is classified as Benign based on local population frequency. This variant was detected in 92% of patients studied by a panel of primary immunodeficiencies. Number of patients: 87. Only high quality variants are reported.

GeneDx
Classification: Benign. Last evaluated: 2018-06-23. Review status: criteria provided, single submitter. Criteria: GeneDx Variant Classification Process June 2021. Collection method: clinical testing. Allele origin: germline. Affected: yes.

Breakthrough Genomics
Classification: Benign. Review status: criteria provided, single submitter. Criteria: ACMG Guidelines, 2015. Collection method: not provided. Allele origin: germline. Inheritance: Autosomal recessive inheritance. Affected: yes.